The following is an entry in ClinVar:

ClinVar aggregate classification (germline): Pathogenic (1 of 4 stars; one submission).

Conditions:
Nephronophthisis 18 (NPHP18). Identifiers: Orphanet 655, MedGen C3890591, MONDO:0014374, OMIM 615862.

Submission:

Labcorp Genetics (formerly Invitae), Labcorp
Classification: Pathogenic for Nephronophthisis 18. Last evaluated: 2021-01-06. Review status: criteria provided, single submitter. Criteria: Invitae Variant Classification Sherloc (09022015). Collection method: clinical testing. Allele origin: germline.
Comment: For these reasons, this variant has been classified as Pathogenic. This variant has not been reported in the literature in individuals with CEP83-related conditions. This variant is not present in population databases (ExAC no frequency). This sequence change creates a premature translational stop signal (p.Leu203Serfs*22) in the CEP83 gene. It is expected to result in an absent or disrupted protein product. Loss-of-function variants in CEP83 are known to be pathogenic (PMID: 23530209, 24882706).

Literature cited by the submitters: PubMed 23530209; PubMed 24882706.

NM_016122.3(CEP83):c.606del (p.Leu203fs)

Gene: CEP83 (centrosomal protein 83; minus strand). Cytogenetic location: 12q22.
Variant type: Deletion.
Coding change: c.606del on transcript NM_016122.3 (MANE Select); coding-DNA position 606, one base deleted (T; older notation c.606delT).
Protein change: p.Leu203fs; shifts the reading frame from leucine 203.
Molecular consequence: frameshift variant. On other transcripts: non-coding transcript variant (3).
Genome position (GRCh38, 1-based): chr12:94,378,986, A deleted on the plus strand (T on the coding strand, the reverse complement: CEP83 is on the minus strand). VCF-style (leftmost placement, unchanged base first): chr12-94378985-GA-G. GRCh37 (hg19) VCF-style: chr12-94772761-GA-G.
Other names: c.606del, p.Leu203fs (NM_001042399.2, NM_001346457.2, NM_001346460.2 and 3 more transcripts); c.294del, p.Leu99fs (NM_001346458.2, NM_001346459.2, NM_001346462.2 and 2 more transcripts); c.381del, p.Leu128fs (NM_001368041.1); c.69del, p.Leu24fs (NM_001368042.1); short protein forms L24fs, L203fs, L128fs, L99fs.
Identifiers: ClinVar variation 1457969 (VCV001457969.6), dbSNP rs2137174483, ClinGen allele CA2573149091.
Genomic context (GRCh38, chr12:94,378,985, plus strand): 5'-TTTGACACAAATAGACTTTTTCTCGAGCAAGTTGTTCCACTCGTTTGCTGTCTTTTGTGA[GA>G]TCAACATTAAGCAGCTGGTTACGTAGTTCTTCTTTATCTTCCTCCAGTCTTGCAATCTAA-3'